The following is an entry in ClinVar:

ClinVar aggregate classification (germline): Likely pathogenic (1 of 4 stars; one submission).

Conditions:
Nemaline myopathy 2 (NEM2). Also called: Nemaline myopathy 2, autosomal recessive. Identifiers: MedGen C1850569, MONDO:0009725, OMIM 256030.

Submission:

Neuberg Centre For Genomic Medicine, NCGM
Classification: Likely pathogenic for Nemaline myopathy 2. Review status: criteria provided, single submitter. Criteria: ACMG Guidelines, 2015. Collection method: clinical testing. Allele origin: germline. Inheritance: Autosomal recessive inheritance. Affected: yes.
Comment: The invariant splice donor c.24873+2T>C variant in NEB gene has not been reported previously as a pathogenic variant nor as a benign variant, to our knowledge. The c.24873+2T>C variant is novel (not in any individuals) in both gnomAD Exomes and 1000 Genomes databases. This variant has not been reported to the ClinVar database. Loss of function variants have been previously reported to be disease causing. For these reasons, this variant has been classified as Likely Pathogenic.

NM_001164508.2(NEB):c.24873+2T>C

Genes: NEB (nebulin; minus strand), RIF1 (replication timing regulatory factor 1; plus strand). Cytogenetic location: 2q23.3.
Variant type: single nucleotide variant.
Coding change: c.24873+2T>C on transcript NM_001164508.2 (MANE Select); the canonical splice donor site of the intron after coding-DNA position 24873, T replaced by C.
Molecular consequence: splice donor variant.
Genome position (GRCh38, 1-based): chr2:151,492,385, A>G on the plus strand (T>C on the coding strand, the complement: NEB is on the minus strand). VCF-style: chr2-151492385-A-G. GRCh37 (hg19) VCF-style: chr2-152348899-A-G.
Other names: c.19305+2T>C (NM_004543.5); c.24873+2T>C (NM_001164507.2); c.24978+2T>C (NM_001271208.2).
Identifiers: ClinVar variation 2664170 (VCV002664170.1), dbSNP rs1574665867, ClinGen allele CA348774087.